The following is an entry in ClinVar:

ClinVar aggregate classification (germline): Pathogenic/Likely pathogenic. Review status: criteria provided, multiple submitters, no conflicts (2 of 4 stars). 5 submissions from 5 submitters: Pathogenic (1); Likely pathogenic (3). 1 of the submissions does not count toward it. Last evaluated 2025-11-06.

Conditions:
EYS-related disorder. Also called: EYS-related condition.
Retinitis pigmentosa 25 (RP25). Identifiers: Orphanet 791, MedGen C1864446, MONDO:0011272, OMIM 602772.

Submissions (5):

Natera, Inc.
Classification: Likely pathogenic for Retinitis pigmentosa type 25. Last evaluated: 2025-11-06. Review status: criteria provided, single submitter. Criteria: Natera Variant Classification Schema (03/2026). Collection method: clinical testing. Allele origin: germline.
Comment: The c.9166_9167delAT variant in EYS is a frameshift variant predicted to shift the reading frame beginning at codon 3056 and leads to a stop codon 6 codons downstream. This variant is expected to result in nonsense mediated decay, truncation, or a dysfunctional protein product. This variant is rare in the general population with a frequency below the threshold expected for the associated phenotype(s). Given the available evidence, this variant is classified as Likely Pathogenic.

Baylor Genetics
Classification: Likely pathogenic for Retinitis pigmentosa 25. Last evaluated: 2023-09-03. Review status: criteria provided, single submitter. Criteria: ACMG Guidelines, 2015. Collection method: clinical testing. Allele origin: unknown.

Blueprint Genetics
Classification: Likely pathogenic for EYS-related disorders. Last evaluated: 2023-07-13. Review status: criteria provided, single submitter. Criteria: ACMG Guidelines, 2015. Collection method: clinical testing. Allele origin: germline. Affected: yes. Observed: 2 variant alleles.

Labcorp Genetics (formerly Invitae), Labcorp
Classification: Pathogenic. Last evaluated: 2023-03-27. Review status: criteria provided, single submitter. Criteria: Invitae Variant Classification Sherloc (09022015). Collection method: clinical testing. Allele origin: germline.
Comment: This variant has not been reported in the literature in individuals affected with EYS-related conditions. This variant is not present in population databases (gnomAD no frequency). This sequence change creates a premature translational stop signal (p.Ile3056Glnfs*6) in the EYS gene. While this is not anticipated to result in nonsense mediated decay, it is expected to disrupt the last 89 amino acid(s) of the EYS protein. ClinVar contains an entry for this variant (Variation ID: 558109). This variant disrupts a region of the EYS protein in which other variant(s) (p.Tyr3135*) have been determined to be pathogenic (PMID: 18976725, 29159838, 30337596, 31074760). This suggests that this is a clinically significant region of the protein, and that variants that disrupt it are likely to be disease-causing. For these reasons, this variant has been classified as Pathogenic.

Counsyl
Classification: Likely pathogenic for Retinitis pigmentosa 25. Last evaluated: 2018-04-27. Review status: no assertion criteria provided. Collection method: clinical testing. Allele origin: unknown. Not counted in ClinVar's aggregate classification.

Literature cited by the submitters: PubMed 18976725 (cited by Labcorp Genetics (formerly Invitae), Labcorp); PubMed 29159838 (cited by Labcorp Genetics (formerly Invitae), Labcorp); PubMed 30337596 (cited by Labcorp Genetics (formerly Invitae), Labcorp); PubMed 31074760 (cited by Labcorp Genetics (formerly Invitae), Labcorp).

NM_001142800.2(EYS):c.9166_9167del (p.Ile3056fs)

Genes: EYS (EGF-like photoreceptor maintenance factor; minus strand), PHF3 (PHD finger protein 3; plus strand). Cytogenetic location: 6q12.
Variant type: Deletion.
Coding change: c.9166_9167del on transcript NM_001142800.2 (MANE Select); coding-DNA positions 9166 to 9167, 2 bases deleted (AT; older notation c.9166_9167delAT).
Protein change: p.Ile3056fs; shifts the reading frame from isoleucine 3056.
Molecular consequence: frameshift variant. On other transcripts: 3 prime UTR variant (5).
Genome position (GRCh38, 1-based): chr6:63,720,864-63,720,865, AT deleted on the plus strand (AT on the coding strand, the reverse complement: EYS is on the minus strand); deleting any 2 consecutive bases within chr6:63,720,864-63,720,866 gives the same sequence; the c. name uses the placement nearest the transcript's 3' end. VCF-style (leftmost placement, unchanged base first): chr6-63720863-GAT-G. GRCh37 (hg19) VCF-style: chr6-64430759-GAT-G.
Other names: c.*7157_*7158del (NM_001290259.2, NM_001370348.2, NM_001370349.2 and 2 more transcripts); c.9229_9230del, p.Ile3077fs (NM_001292009.2); c.9166_9167del (NM_001142800.1); short protein forms I3056fs, I3077fs.
Identifiers: ClinVar variation 558109 (VCV000558109.12), dbSNP rs1165454778, ClinGen allele CA658822738.